The following is an entry in ClinVar:

ClinVar aggregate classification (germline): Uncertain significance. Review status: criteria provided, multiple submitters, no conflicts (2 of 4 stars). 2 submissions from 2 submitters: Uncertain significance (2). Last evaluated 2022-02-04.

Conditions:
Inflammatory skin and bowel disease, neonatal, 1. Identifiers: Orphanet 294023, MedGen C3280501, MONDO:0013693, OMIM 614328.

Allele frequency attached by ClinVar (database versions not stated): gnomAD exomes below 0.00001; ExAC 0.00001.

Submissions (2):

Labcorp Genetics (formerly Invitae), Labcorp
Classification: Uncertain significance for Inflammatory skin and bowel disease, neonatal, 1. Last evaluated: 2022-02-04. Review status: criteria provided, single submitter. Criteria: Invitae Variant Classification Sherloc (09022015). Collection method: clinical testing. Allele origin: germline.
Comment: In summary, the available evidence is currently insufficient to determine the role of this variant in disease. Therefore, it has been classified as a Variant of Uncertain Significance. Algorithms developed to predict the effect of missense changes on protein structure and function are either unavailable or do not agree on the potential impact of this missense change (SIFT: "Not Available"; PolyPhen-2: "Probably Damaging"; Align-GVGD: "Not Available"). ClinVar contains an entry for this variant (Variation ID: 643543). This variant has not been reported in the literature in individuals affected with ADAM17-related conditions. This variant is present in population databases (rs774191569, gnomAD 0.0009%). This sequence change replaces aspartic acid, which is acidic and polar, with asparagine, which is neutral and polar, at codon 499 of the ADAM17 protein (p.Asp499Asn).

New York Genome Center
Classification: Uncertain significance for Inflammatory skin and bowel disease, neonatal, 1. Last evaluated: 2020-07-09. Review status: criteria provided, single submitter. Criteria: NYGC Assertion Criteria 2020. Collection method: clinical testing. Allele origin: inherited. Observed: 1 heterozygote. Study: CSER-NYCKidSeq.

NM_003183.6(ADAM17):c.1495G>A (p.Asp499Asn)

Genes: IAH1 (isoamyl acetate hydrolyzing esterase 1 (putative); plus strand), ADAM17 (ADAM metallopeptidase domain 17; minus strand). Cytogenetic location: 2p25.1.
Variant type: single nucleotide variant.
Coding change: c.1495G>A on transcript NM_003183.6 (MANE Select); coding-DNA position 1495, G replaced by A.
Protein change: p.Asp499Asn; replaces aspartic acid 499 with asparagine.
Molecular consequence: missense variant.
Genome position (GRCh38, 1-based): chr2:9,505,215, C>T on the plus strand (G>A on the coding strand, the complement: ADAM17 is on the minus strand). VCF-style: chr2-9505215-C-T. GRCh37 (hg19) VCF-style: chr2-9645344-C-T.
Other names: c.1495G>A, p.Asp499Asn (LRG_1203t1); short protein forms D499N.
Identifiers: ClinVar variation 643543 (VCV000643543.9), dbSNP rs774191569, ClinGen allele CA1523494.
Genomic context (GRCh38, chr2:9,505,215, plus strand): 5'-AGACTCCTCACCTGCACTGGACACCTTCCTTCAACGTGCAGTCGCTGTTGCAGCAGGTGT[C>T]GTTGTTCAGATACATGATGCCAGGATCACACTCTTCTCCTTCATCCACCCTCGAGTTCCC-3'
Protein context (NP_003174.3, residues 489-509): CDPGIMYLNN[Asp499Asn]TCCNSDCTLK